The following is an entry in ClinVar:

NM_002224.4(ITPR3):c.1714-4C>A

Gene: ITPR3 (inositol 1,4,5-trisphosphate receptor type 3; plus strand). Cytogenetic location: 6p21.31.
Variant type: single nucleotide variant.
Coding change: c.1714-4C>A on transcript NM_002224.4 (MANE Select); 4 bases into the intron before coding-DNA position 1714, C replaced by A.
Molecular consequence: intron variant.
Genome position (GRCh38, 1-based): chr6:33,667,788, C>A. VCF-style: chr6-33667788-C-A. GRCh37 (hg19) VCF-style: chr6-33635565-C-A.
Identifiers: ClinVar variation 3037733 (VCV003037733.17), dbSNP rs78399616, ClinGen allele CA3760357.

ClinVar aggregate classification (germline): Benign. Review status: criteria provided, single submitter (1 of 4 stars). 2 submissions from 2 submitters: Benign (1). 1 of the submissions does not count toward it. Last evaluated 2026-09-01.

Conditions:
ITPR3-related disorder. Also called: ITPR3-related condition.

Allele frequency attached by ClinVar (database versions not stated): 1000 Genomes Project 30x 0.00281; 1000 Genomes Project 0.00300; TOPMed 0.00792; ESP Exome Variant Server 0.01107.
gnomAD v4.1: 18,406 of 1,613,912 alleles (1.1%); highest among the groups gnomAD compares: Non-Finnish European, 1.1%; 212 homozygotes.

Submissions (2):

CeGaT Center for Human Genetics Tuebingen
Classification: Benign. Last evaluated: 2026-09-01. Review status: criteria provided, single submitter. Criteria: CeGaT Center For Human Genetics Tuebingen Variant Classification Criteria Version 2. Collection method: clinical testing. Allele origin: germline. Affected: yes. Observed: 17 variant alleles.
Comment: ITPR3: BP4, BS1, BS2

PreventionGenetics, part of Exact Sciences
Classification: Benign for ITPR3-related condition. Last evaluated: 2019-04-15. Review status: no assertion criteria provided. Collection method: clinical testing. Allele origin: germline. Not counted in ClinVar's aggregate classification.
Comment: This variant is classified as benign based on ACMG/AMP sequence variant interpretation guidelines (Richards et al. 2015 PMID: 25741868, with internal and published modifications).